The following is an entry in ClinVar:

NM_182931.3(KMT2E):c.53A>G (p.Glu18Gly)

Gene: KMT2E (lysine methyltransferase 2E (inactive); plus strand). Cytogenetic location: 7q22.3.
Variant type: single nucleotide variant.
Coding change: c.53A>G on transcript NM_182931.3 (MANE Select); coding-DNA position 53, A replaced by G.
Protein change: p.Glu18Gly; replaces glutamic acid 18 with glycine.
Molecular consequence: missense variant.
Genome position (GRCh38, 1-based): chr7:105,041,005, A>G. VCF-style: chr7-105041005-A-G. GRCh37 (hg19) VCF-style: chr7-104681452-A-G.
Other names: c.53A>G, p.Glu18Gly (NM_018682.4); short protein forms E18G.
Identifiers: ClinVar variation 1307497 (VCV001307497.2), dbSNP rs2129565358, ClinGen allele CA368781968.

ClinVar aggregate classification (germline): Uncertain significance (1 of 4 stars; one submission).

Submission:

GeneDx
Classification: Uncertain significance. Last evaluated: 2019-08-13. Review status: criteria provided, single submitter. Criteria: GeneDx Variant Classification Process June 2021. Collection method: clinical testing. Allele origin: germline. Affected: yes.
Comment: Not observed in large population cohorts (Lek et al., 2016); In silico analysis, which includes protein predictors and evolutionary conservation, supports a deleterious effect; Has not been previously published as pathogenic or benign to our knowledge